The following is an entry in ClinVar:

NM_178452.6(DNAAF1):c.715del (p.Ser239fs)

Gene: DNAAF1 (dynein axonemal assembly factor 1; plus strand). Cytogenetic location: 16q24.1.
Variant type: Deletion.
Coding change: c.715del on transcript NM_178452.6 (MANE Select); coding-DNA position 715, one base deleted (A; older notation c.715delA).
Protein change: p.Ser239fs; shifts the reading frame from serine 239.
Molecular consequence: frameshift variant.
Genome position (GRCh38, 1-based): chr16:84,155,723, A deleted. VCF-style (leftmost placement, unchanged base first): chr16-84155722-GA-G. GRCh37 (hg19) VCF-style: chr16-84189327-GA-G.
Other names: short protein forms S239fs.
Identifiers: ClinVar variation 455006 (VCV000455006.7), dbSNP rs758650222, ClinGen allele CA8202581.

ClinVar aggregate classification (germline): Pathogenic (1 of 4 stars; one submission).

Conditions:
Primary ciliary dyskinesia. Also called: Ciliary dyskinesia. Identifiers: Orphanet 244, MedGen C0008780, MONDO:0016575, HP:0012265.

Allele frequency attached by ClinVar (database versions not stated): TOPMed below 0.00001; gnomAD 0.00001; gnomAD exomes 0.00001 and 0.00002; ExAC 0.00002.

Submission:

Labcorp Genetics (formerly Invitae), Labcorp
Classification: Pathogenic for Primary ciliary dyskinesia. Last evaluated: 2017-03-21. Review status: criteria provided, single submitter. Criteria: Invitae Variant Classification Sherloc (09022015). Collection method: clinical testing. Allele origin: germline.
Comment: For these reasons, this variant has been classified as Pathogenic. While this particular variant has not been reported in the literature, loss-of-function variants in DNAAF1 are known to be pathogenic (PMID: 19944405, 19944400). This sequence change deletes 1 nucleotide from exon 5 of the DNAAF1 mRNA (c.715delA), causing a frameshift at codon 239. This creates a premature translational stop signal (p.Ser239Alafs*12) and is expected to result in an absent or disrupted protein product.

Literature cited by the submitters: PubMed 19944405; PubMed 19944400.